The following is an entry in ClinVar:

ClinVar aggregate classification (germline): Benign (0 of 4 stars; one submission).

Conditions:
DNAH17-related disorder. Also called: DNAH17-related condition.

Allele frequency attached by ClinVar (database versions not stated): gnomAD exomes 0.00140; ExAC 0.00433; gnomAD 0.01265; 1000 Genomes Project 30x 0.01374; 1000 Genomes Project 0.01398; ESP Exome Variant Server 0.01402; TOPMed 0.01489.

Submission:

PreventionGenetics, part of Exact Sciences
Classification: Benign for DNAH17-related condition. Last evaluated: 2019-03-12. Review status: no assertion criteria provided. Collection method: clinical testing. Allele origin: germline.
Comment: This variant is classified as benign based on ACMG/AMP sequence variant interpretation guidelines (Richards et al. 2015 PMID: 25741868, with internal and published modifications).

NM_173628.4(DNAH17):c.19G>A (p.Val7Ile)

Gene: DNAH17 (dynein axonemal heavy chain 17; minus strand). Cytogenetic location: 17q25.3.
Variant type: single nucleotide variant.
Coding change: c.19G>A on transcript NM_173628.4 (MANE Select); coding-DNA position 19, G replaced by A.
Protein change: p.Val7Ile; replaces valine 7 with isoleucine.
Molecular consequence: missense variant.
Genome position (GRCh38, 1-based): chr17:78,575,039, C>T on the plus strand (G>A on the coding strand, the complement: DNAH17 is on the minus strand). VCF-style: chr17-78575039-C-T. GRCh37 (hg19) VCF-style: chr17-76571121-C-T.
Other names: short protein forms V7I.
Identifiers: ClinVar variation 3039213 (VCV003039213.2), dbSNP rs61744339, ClinGen allele CA8805805.